The following is an entry in ClinVar:

NM_000138.5(FBN1):c.6497-12G>A

Gene: FBN1 (fibrillin 1; minus strand). Cytogenetic location: 15q21.1.
Variant type: single nucleotide variant.
Coding change: c.6497-12G>A on transcript NM_000138.5 (MANE Select); 12 bases into the intron before coding-DNA position 6497, G replaced by A.
Molecular consequence: intron variant.
Genome position (GRCh38, 1-based): chr15:48,434,725, C>T on the plus strand (G>A on the coding strand, the complement: FBN1 is on the minus strand). VCF-style: chr15-48434725-C-T. GRCh37 (hg19) VCF-style: chr15-48726922-C-T.
Other names: c.6497-12G>A (NM_001406716.1).
Identifiers: ClinVar variation 4783991 (VCV004783991.2).

ClinVar aggregate classification (germline): Conflicting classifications of pathogenicity. Review status: criteria provided, conflicting classifications (1 of 4 stars). 2 submissions from 2 submitters: Uncertain significance (1); Likely benign (1). Last evaluated 2025-07-08.

Conditions:
Marfan syndrome (MFS). Also called: FBN1-Related Marfan Syndrome; MARFAN SYNDROME, TYPE I; Marfan syndrome type 1; Marfan's syndrome; Marfan syndrome, classic. Identifiers: Orphanet 284963, Orphanet 558, MedGen C0024796, MONDO:0007947, OMIM 154700.
Familial thoracic aortic aneurysm and aortic dissection (TAAD). Also called: Thoracic aortic aneurysms and dissections. Identifiers: Orphanet 91387, MedGen C4707243, MONDO:0019625.

Submissions (2):

Labcorp Genetics (formerly Invitae), Labcorp
Classification: Uncertain significance for Marfan syndrome; Familial thoracic aortic aneurysm and aortic dissection. Last evaluated: 2025-07-08. Review status: criteria provided, single submitter. Criteria: Invitae Variant Classification Sherloc (09022015). Collection method: clinical testing. Allele origin: germline.
Comment: This sequence change falls in intron 53 of the FBN1 gene. It does not directly change the encoded amino acid sequence of the FBN1 protein. This variant is not present in population databases (gnomAD no frequency). This variant has been observed in individual(s) with clinical features of Marfan syndrome (internal data). Algorithms developed to predict the effect of sequence changes on RNA splicing suggest that this variant may disrupt the consensus splice site. In summary, the available evidence is currently insufficient to determine the role of this variant in disease. Therefore, it has been classified as a Variant of Uncertain Significance.

Blueprint Genetics
Classification: Likely benign. Last evaluated: 2023-03-21. Review status: criteria provided, single submitter. Criteria: ACMG Guidelines, 2015. Collection method: clinical testing. Allele origin: germline.